The following is an entry in ClinVar:

ClinVar aggregate classification (germline): Uncertain significance (1 of 4 stars; one submission).

Conditions:
Amyotrophic lateral sclerosis type 1 (ALS1). Also called: AMYOTROPHIC LATERAL SCLEROSIS 1, FAMILIAL. Identifiers: Orphanet 803, MedGen C1862939, MONDO:0007103, OMIM 105400.
Neuronopathy, distal hereditary motor, type 7B. Also called: HMN VIIB; LOWER MOTOR NEURON DISEASE, DYNACTIN TYPE; NEURONOPATHY, DISTAL HEREDITARY MOTOR, AUTOSOMAL DOMINANT 14; NEURONOPATHY, DISTAL HEREDITARY MOTOR, HARDING TYPE VIIB; NEUROPATHY, DISTAL HEREDITARY MOTOR, HARDING TYPE VIIB; NEUROPATHY, DISTAL HEREDITARY MOTOR, WITH VOCAL CORD PARALYSIS, HARDING TYPE VIIB. Identifiers: Orphanet 139589, MedGen C1843315, MONDO:0011879, OMIM 607641.
Perry syndrome. Also called: PARKINSONISM WITH ALVEOLAR HYPOVENTILATION AND MENTAL DEPRESSION. Identifiers: Orphanet 178509, MedGen C1868594, MONDO:0008201, OMIM 168605.

Submission:

Labcorp Genetics (formerly Invitae), Labcorp
Classification: Uncertain significance for Amyotrophic lateral sclerosis type 1; Neuronopathy, distal hereditary motor, type 7B; Perry syndrome. Last evaluated: 2025-04-14. Review status: criteria provided, single submitter. Criteria: Invitae Variant Classification Sherloc (09022015). Collection method: clinical testing. Allele origin: germline.
Comment: This sequence change replaces glycine, which is neutral and non-polar, with tryptophan, which is neutral and slightly polar, at codon 159 of the DCTN1 protein (p.Gly159Trp). This variant is not present in population databases (gnomAD no frequency). This variant has not been reported in the literature in individuals affected with DCTN1-related conditions. ClinVar contains an entry for this variant (Variation ID: 2950313). Invitae Evidence Modeling of protein sequence and biophysical properties (such as structural, functional, and spatial information, amino acid conservation, physicochemical variation, residue mobility, and thermodynamic stability) indicates that this missense variant is not expected to disrupt DCTN1 protein function with a negative predictive value of 95%. In summary, the available evidence is currently insufficient to determine the role of this variant in disease. Therefore, it has been classified as a Variant of Uncertain Significance.

NM_004082.5(DCTN1):c.475G>T (p.Gly159Trp)

Gene: DCTN1 (dynactin subunit 1; minus strand). Cytogenetic location: 2p13.1.
Variant type: single nucleotide variant.
Coding change: c.475G>T on transcript NM_004082.5 (MANE Select); coding-DNA position 475, G replaced by T.
Protein change: p.Gly159Trp; replaces glycine 159 with tryptophan.
Molecular consequence: missense variant. On other transcripts: non-coding transcript variant (1).
Genome position (GRCh38, 1-based): chr2:74,371,707, C>A on the plus strand (G>T on the coding strand, the complement: DCTN1 is on the minus strand). VCF-style: chr2-74371707-C-A. GRCh37 (hg19) VCF-style: chr2-74598834-C-A.
Other names: c.415G>T, p.Gly139Trp (NM_001135040.3); c.73G>T, p.Gly25Trp (NM_001135041.3, NM_023019.4); c.364G>T, p.Gly122Trp (NM_001190836.2); c.454G>T, p.Gly152Trp (NM_001190837.2); c.424G>T, p.Gly142Trp (NM_001378991.1); c.406G>T, p.Gly136Trp (NM_001378992.1); short protein forms G25W, G122W, G152W, G159W, G136W, G139W, G142W.
Identifiers: ClinVar variation 2950313 (VCV002950313.3), dbSNP rs2529171864, ClinGen allele CA347368023.
Genomic context (GRCh38, chr2:74,371,707, plus strand): 5'-TCAGCTCACCTGCTGACGCTGAGCCAGAGGGGCCCAGGGAGCTACTGGCCCCAGCCACCC[C>A]AGTACTGGCTGGGCGCGTGGGCTATTCAGAAAGGGTAGAGGCAGACCAGAAAGAAAGCAG-3'
Protein context (NP_004073.2, residues 149-169): RPKPTRPAST[Gly159Trp]VAGASSSLGP